The following is an entry in ClinVar:

ClinVar aggregate classification (germline): Uncertain significance (1 of 4 stars; one submission).

Conditions:
Cardiovascular phenotype. Identifiers: MedGen CN230736.

Submission:

Ambry Genetics
Classification: Uncertain significance for Cardiovascular phenotype. Last evaluated: 2026-06-22. Review status: criteria provided, single submitter. Criteria: Ambry Variant Classification Scheme 2023. Collection method: clinical testing. Allele origin: germline.
Comment: The p.T153I variant (also known as c.458C>T), located in coding exon 4 of the PTPN11 gene, results from a C to T substitution at nucleotide position 458. The threonine at codon 153 is replaced by isoleucine, an amino acid with similar properties. This amino acid position is conserved. In addition, this alteration is predicted to be deleterious by in silico analysis. Based on the available evidence, the clinical significance of this variant remains unclear.

NM_002834.5(PTPN11):c.458C>T (p.Thr153Ile)

Gene: PTPN11 (protein tyrosine phosphatase non-receptor type 11; plus strand). Cytogenetic location: 12q24.13.
Variant type: single nucleotide variant.
Coding change: c.458C>T on transcript NM_002834.5 (MANE Select); coding-DNA position 458, C replaced by T.
Protein change: p.Thr153Ile; replaces threonine 153 with isoleucine.
Molecular consequence: missense variant.
Genome position (GRCh38, 1-based): chr12:112,453,320, C>T. VCF-style: chr12-112453320-C-T. GRCh37 (hg19) VCF-style: chr12-112891124-C-T.
Other names: c.458C>T, p.Thr153Ile (NM_001330437.2, NM_080601.3); c.455C>T, p.Thr152Ile (NM_001374625.1); short protein forms T152I, T153I.
Identifiers: ClinVar variation 5027612 (VCV005027612.1).